The following is an entry in ClinVar:

NM_031418.4(ANO3):c.1437G>A (p.Met479Ile)

Genes: ANO3 (anoctamin 3; plus strand), MUC15 (mucin 15, cell surface associated; minus strand). Cytogenetic location: 11p14.2.
Variant type: single nucleotide variant.
Coding change: c.1437G>A on transcript NM_031418.4 (MANE Select); coding-DNA position 1437, G replaced by A.
Protein change: p.Met479Ile; replaces methionine 479 with isoleucine.
Molecular consequence: missense variant. On other transcripts: 3 prime UTR variant (3).
Genome position (GRCh38, 1-based): chr11:26,559,769, G>A. VCF-style: chr11-26559769-G-A. GRCh37 (hg19) VCF-style: chr11-26581316-G-A.
Other names: c.*1296C>T (NM_001135091.2, NM_001135092.2, NM_145650.4); c.1620G>A, p.Met540Ile (NM_001313726.2); c.999G>A, p.Met333Ile (NM_001313727.2); short protein forms M540I, M333I, M479I.
Identifiers: ClinVar variation 1519018 (VCV001519018.6), dbSNP rs2134244480, ClinGen allele CA379934394.

ClinVar aggregate classification (germline): Uncertain significance (1 of 4 stars; one submission).

Conditions:
Dystonic disorder. Also called: Dystonia. Identifiers: MedGen C0013421, MONDO:0003441, HP:0001332.

Submission:

Labcorp Genetics (formerly Invitae), Labcorp
Classification: Uncertain significance for Dystonic disorder. Last evaluated: 2021-09-15. Review status: criteria provided, single submitter. Criteria: Invitae Variant Classification Sherloc (09022015). Collection method: clinical testing. Allele origin: germline.
Comment: In summary, the available evidence is currently insufficient to determine the role of this variant in disease. Therefore, it has been classified as a Variant of Uncertain Significance. This sequence change replaces methionine with isoleucine at codon 479 of the ANO3 protein (p.Met479Ile). The methionine residue is highly conserved and there is a small physicochemical difference between methionine and isoleucine. This variant is not present in population databases (ExAC no frequency). This variant has not been reported in the literature in individuals affected with ANO3-related conditions. Algorithms developed to predict the effect of missense changes on protein structure and function are either unavailable or do not agree on the potential impact of this missense change (SIFT: "Deleterious"; PolyPhen-2: "Possibly Damaging"; Align-GVGD: "Class C0"). Algorithms developed to predict the effect of sequence changes on RNA splicing suggest that this variant may create or strengthen a splice site.